The following is an entry in ClinVar:

NM_001017995.3(SH3PXD2B):c.*1253A>G

Gene: SH3PXD2B (SH3 and PX domains 2B; minus strand). Cytogenetic location: 5q35.1.
Variant type: single nucleotide variant.
Coding change: c.*1253A>G on transcript NM_001017995.3 (MANE Select); 1253 bases downstream of the stop codon, A replaced by G.
Molecular consequence: 3 prime UTR variant. On other transcripts: intron variant (1).
Genome position (GRCh38, 1-based): chr5:172,337,116, T>C on the plus strand (A>G on the coding strand, the complement: SH3PXD2B is on the minus strand). VCF-style: chr5-172337116-T-C. GRCh37 (hg19) VCF-style: chr5-171764120-T-C.
Other names: c.1188+9020A>G (NM_001308175.2).
Identifiers: ClinVar variation 352775 (VCV000352775.5), dbSNP rs869367, ClinGen allele CA10619978.

ClinVar aggregate classification (germline): Benign (1 of 4 stars; one submission).

Conditions:
Frank-Ter Haar syndrome. Also called: BORRONE DERMATOCARDIOSKELETAL SYNDROME; TER HAAR SYNDROME; MELNICK-NEEDLES SYNDROME, AUTOSOMAL RECESSIVE; Borrone di Rocco Crovato syndrome. Identifiers: Orphanet 1266, Orphanet 137834, MedGen C1855305, MONDO:0009579, OMIM 249420.

Allele frequency attached by ClinVar (database versions not stated): gnomAD exomes 0.58273; gnomAD 0.61967 and 0.62535; TOPMed 0.62217; 1000 Genomes Project 30x 0.67958; 1000 Genomes Project 0.68331.
gnomAD v4.1: 581,352 of 985,094 alleles (59%); highest among the groups gnomAD compares: South Asian, 82%; 172,862 homozygotes.

Submission:

Illumina Laboratory Services, Illumina
Classification: Benign for Frank-Ter Haar syndrome. Last evaluated: 2018-01-12. Review status: criteria provided, single submitter. Criteria: ICSL Variant Classification Criteria 13 December 2019. Collection method: clinical testing. Allele origin: germline.
Comment: This variant was observed in the ICSL laboratory as part of a predisposition screen in an ostensibly healthy population. It had not been previously curated by ICSL or reported in the Human Gene Mutation Database (HGMD: prior to June 1st, 2018), and was therefore a candidate for classification through an automated scoring system. Utilizing variant allele frequency, disease prevalence and penetrance estimates, and inheritance mode, an automated score was calculated to assess if this variant is too frequent to cause the disease. Based on the score and internal cut-off values, a variant classified as benign is not then subjected to further curation. The score for this variant resulted in a classification of benign for this disease.